The following is an entry in ClinVar:

NM_021098.3(CACNA1H):c.271A>G (p.Ser91Gly)

Gene: CACNA1H (calcium voltage-gated channel subunit alpha1 H; plus strand). Cytogenetic location: 16p13.3.
Variant type: single nucleotide variant.
Coding change: c.271A>G on transcript NM_021098.3 (MANE Select); coding-DNA position 271, A replaced by G.
Protein change: p.Ser91Gly; replaces serine 91 with glycine.
Molecular consequence: missense variant.
Genome position (GRCh38, 1-based): chr16:1,154,008, A>G. VCF-style: chr16-1154008-A-G. GRCh37 (hg19) VCF-style: chr16-1204008-A-G.
Other names: c.271A>G, p.Ser91Gly (NM_001005407.2); short protein forms S91G.
Identifiers: ClinVar variation 1043878 (VCV001043878.8), dbSNP rs1035103368, ClinGen allele CA276601255.

ClinVar aggregate classification (germline): Uncertain significance (1 of 4 stars; one submission).

Conditions:
Idiopathic generalized epilepsy. Also called: EIG; Generalised epilepsy. Identifiers: MedGen C0270850, MONDO:0005579, OMIM 600669.
Hyperaldosteronism, familial, type IV (HALD4). Also called: FH IV; ALDOSTERONISM, PRIMARY, AND HYPERTENSION. Identifiers: Orphanet 642671, MedGen C4310756, MONDO:0014875, OMIM 617027.

Allele frequency attached by ClinVar (database versions not stated): gnomAD 0.00001 and 0.00002; gnomAD exomes 0.00001.
gnomAD v4.1: 5 of 1,294,698 alleles (0.00039%); highest among the groups gnomAD compares: African/African-American, 0.0033%; no homozygotes.

Submission:

Labcorp Genetics (formerly Invitae), Labcorp
Classification: Uncertain significance for Idiopathic generalized epilepsy; Hyperaldosteronism, familial, type IV. Last evaluated: 2020-01-11. Review status: criteria provided, single submitter. Criteria: Invitae Variant Classification Sherloc (09022015). Collection method: clinical testing. Allele origin: germline.
Comment: In summary, the available evidence is currently insufficient to determine the role of this variant in disease. Therefore, it has been classified as a Variant of Uncertain Significance. Algorithms developed to predict the effect of missense changes on protein structure and function (SIFT, PolyPhen-2, Align-GVGD) all suggest that this variant is likely to be tolerated, but these predictions have not been confirmed by published functional studies and their clinical significance is uncertain. This variant has not been reported in the literature in individuals with CACNA1H-related conditions. The frequency data for this variant in the population databases is considered unreliable, as metrics indicate insufficient coverage at this position in the ExAC database. This sequence change replaces serine with glycine at codon 91 of the CACNA1H protein (p.Ser91Gly). The serine residue is weakly conserved and there is a small physicochemical difference between serine and glycine.